The following is an entry in ClinVar:

NM_006017.3(PROM1):c.2253A>G (p.Glu751=)

Gene: PROM1 (prominin 1; minus strand). Cytogenetic location: 4p15.32.
Variant type: single nucleotide variant.
Coding change: c.2253A>G on transcript NM_006017.3 (MANE Select); coding-DNA position 2253, A replaced by G.
Protein change: p.Glu751=; no amino-acid change (glutamic acid 751 retained).
Molecular consequence: synonymous variant.
Genome position (GRCh38, 1-based): chr4:15,985,787, T>C on the plus strand (A>G on the coding strand, the complement: PROM1 is on the minus strand). VCF-style: chr4-15985787-T-C. GRCh37 (hg19) VCF-style: chr4-15987410-T-C.
Other names: c.2226A>G, p.Glu742= (NM_001145847.2, NM_001145848.2, NM_001145851.2 and 4 more transcripts); c.2253A>G, p.Glu751= (NM_001145849.2, NM_001145850.2).
Identifiers: ClinVar variation 1122309 (VCV001122309.33), dbSNP rs368580524, ClinGen allele CA2866462.
Genomic context (GRCh38, chr4:15,985,787, plus strand): 5'-CCCCTTAACATTCATAAAAGATAAACTACTTACAGAGAACTCGATCCACTGCAGATAATG[T>C]TCAAAATATCCTATTATTGTTCTCCCATACTTCTTAGTTTCCTGGAAAGAAACAAAAGAT-3'
Protein context (NP_006008.1, residues 741-761): KYGRTIIGYF[Glu751=]HYLQWIEFSI

ClinVar aggregate classification (germline): Likely benign. Review status: criteria provided, multiple submitters, no conflicts (2 of 4 stars). 4 submissions from 4 submitters: Likely benign (4). Last evaluated 2025-08-31.

Allele frequency attached by ClinVar (database versions not stated): ExAC 0.00010; gnomAD exomes 0.00011 and 0.00013; ESP Exome Variant Server 0.00017; gnomAD 0.00043 and 0.00044; TOPMed 0.00059.
gnomAD v4.1: 226 of 1,414,416 alleles (0.016%); highest among the groups gnomAD compares: Middle Eastern, 0.21%; no homozygotes.

Submissions (4):

Labcorp Genetics (formerly Invitae), Labcorp
Classification: Likely benign. Last evaluated: 2025-08-31. Review status: criteria provided, single submitter. Criteria: Invitae Variant Classification Sherloc (09022015). Collection method: clinical testing. Allele origin: germline.

Blueprint Genetics
Classification: Likely benign. Last evaluated: 2024-10-15. Review status: criteria provided, single submitter. Criteria: ACMG Guidelines, 2015. Collection method: clinical testing. Allele origin: germline.

CeGaT Center for Human Genetics Tuebingen
Classification: Likely benign. Last evaluated: 2024-01-01. Review status: criteria provided, single submitter. Criteria: CeGaT Center For Human Genetics Tuebingen Variant Classification Criteria Version 2. Collection method: clinical testing. Allele origin: germline. Affected: yes. Observed: 1 variant allele.
Comment: PROM1: BP4, BP7

Breakthrough Genomics
Classification: Likely benign. Review status: criteria provided, single submitter. Criteria: ACMG Guidelines, 2015. Collection method: not provided. Allele origin: germline. Inheritance: Autosomal recessive inheritance. Affected: yes.